The following is an entry in ClinVar:

NM_152703.5(SAMD9L):c.2856T>A (p.Ser952Arg)

Gene: SAMD9L (sterile alpha motif domain containing 9 like; minus strand). Cytogenetic location: 7q21.2.
Variant type: single nucleotide variant.
Coding change: c.2856T>A on transcript NM_152703.5 (MANE Select); coding-DNA position 2856, T replaced by A.
Protein change: p.Ser952Arg; replaces serine 952 with arginine.
Molecular consequence: missense variant.
Genome position (GRCh38, 1-based): chr7:93,133,116, A>T on the plus strand (T>A on the coding strand, the complement: SAMD9L is on the minus strand). VCF-style: chr7-93133116-A-T. GRCh37 (hg19) VCF-style: chr7-92762429-A-T.
Other names: c.2856T>A, p.Ser952Arg (NM_001303496.3, NM_001303497.3, NM_001303498.3 and 5 more transcripts); short protein forms S952R.
Identifiers: ClinVar variation 3949944 (VCV003949944.1).

ClinVar aggregate classification (germline): Uncertain significance (1 of 4 stars; one submission).

Conditions:
Inborn genetic diseases. Identifiers: MedGen C0950123, MeSH D030342.

Submission:

Ambry Genetics
Classification: Uncertain significance for Inborn genetic diseases. Last evaluated: 2025-05-19. Review status: criteria provided, single submitter. Criteria: Ambry Variant Classification Scheme 2023. Collection method: clinical testing. Allele origin: germline.
Comment: The p.S952R variant (also known as c.2856T>A), located in coding exon 1 of the SAMD9L gene, results from a T to A substitution at nucleotide position 2856. The serine at codon 952 is replaced by arginine, an amino acid with dissimilar properties. This amino acid position is conserved. In addition, this alteration is predicted to be tolerated by in silico analysis. Based on the available evidence, the clinical significance of this variant remains unclear.